The following is an entry in ClinVar:

NM_001024383.2(NAV3):c.6688del (p.Thr2230fs)

Gene: NAV3 (neuron navigator 3; plus strand). Cytogenetic location: 12q21.2.
Variant type: Deletion.
Coding change: c.6688del on transcript NM_001024383.2 (MANE Select); coding-DNA position 6688, one base deleted (A; older notation c.6688delA).
Protein change: p.Thr2230fs; shifts the reading frame from threonine 2230.
Molecular consequence: frameshift variant.
Genome position (GRCh38, 1-based): chr12:78,199,504, A deleted; the last of 3 consecutive A bases (chr12:78,199,502-78,199,504); deleting any one gives the same sequence. VCF-style (leftmost placement, unchanged base first): chr12-78199501-GA-G. GRCh37 (hg19) VCF-style: chr12-78593281-GA-G.
Other names: c.6622del, p.Thr2208fs (NM_014903.6); short protein forms T2208fs, T2230fs.
Identifiers: ClinVar variation 3897275 (VCV003897275.1).

ClinVar aggregate classification (germline): Uncertain significance (1 of 4 stars; one submission).

Submission:

GeneDx
Classification: Uncertain significance. Last evaluated: 2024-10-29. Review status: criteria provided, single submitter. Criteria: GeneDx Variant Classification Process June 2021. Collection method: clinical testing. Allele origin: germline. Affected: yes.
Comment: Not observed at significant frequency in large population cohorts (gnomAD); Frameshift variant predicted to result in protein truncation or nonsense mediated decay in a gene or region of a gene for which loss of function is not a well-established mechanism of disease; Has not been previously published as pathogenic or benign to our knowledge; Variants in candidate genes are classified as variants of uncertain significance in accordance with ACMG guidelines (PMID: 25741868)